The following is an entry in ClinVar:

ClinVar aggregate classification (germline): Likely benign. Review status: criteria provided, multiple submitters, no conflicts (2 of 4 stars). 3 submissions from 3 submitters: Likely benign (3). Last evaluated 2023-12-21.

Conditions:
Neuropathy, hereditary sensory and autonomic, type 2A (HSAN2A). Also called: ACROOSTEOLYSIS, GIACCAI TYPE; ACROOSTEOLYSIS, NEUROGENIC; MORVAN DISEASE; NEUROPATHY, CONGENITAL SENSORY; NEUROPATHY, HEREDITARY SENSORY RADICULAR, AUTOSOMAL RECESSIVE; NEUROPATHY, HEREDITARY SENSORY, TYPE IIA. Identifiers: Orphanet 970, MedGen C2752089, MONDO:0024309, OMIM 201300.
Pseudohypoaldosteronism type 2C (PHA2C). Also called: Pseudohypoaldosteronism Type IIC. Identifiers: Orphanet 757, Orphanet 88940, MedGen C1840391, MONDO:0013778, OMIM 614492.

Allele frequency attached by ClinVar (database versions not stated): TOPMed 0.00001; ESP Exome Variant Server 0.00008.
gnomAD v4.1: 8 of 1,610,758 alleles (0.0005%); highest among the groups gnomAD compares: East Asian, 0.0022%; no homozygotes.

Submissions (3):

Labcorp Genetics (formerly Invitae), Labcorp
Classification: Likely benign for Neuropathy, hereditary sensory and autonomic, type 2A; Pseudohypoaldosteronism type 2C. Last evaluated: 2023-12-21. Review status: criteria provided, single submitter. Criteria: Invitae Variant Classification Sherloc (09022015). Collection method: clinical testing. Allele origin: germline.

Fulgent Genetics
Classification: Likely benign for Neuropathy, hereditary sensory and autonomic, type 2A; Pseudohypoaldosteronism type 2C. Last evaluated: 2022-05-03. Review status: criteria provided, single submitter. Criteria: ACMG Guidelines, 2015. Collection method: clinical testing. Allele origin: unknown.

Illumina Laboratory Services, Illumina
Classification: Likely benign for Pseudohypoaldosteronism type 2C. Last evaluated: 2018-01-13. Review status: criteria provided, single submitter. Criteria: ICSL Variant Classification Criteria 13 December 2019. Collection method: clinical testing. Allele origin: germline.
Comment: This variant was observed in the ICSL laboratory as part of a predisposition screen in an ostensibly healthy population. It had not been previously curated by ICSL or reported in the Human Gene Mutation Database (HGMD: prior to June 1st, 2018), and was therefore a candidate for classification through an automated scoring system. Utilizing variant allele frequency, disease prevalence and penetrance estimates, and inheritance mode, an automated score was calculated to assess if this variant is too frequent to cause the disease. Based on the score and internal cut-off values, a variant classified as likely benign is not then subjected to further curation. The score for this variant resulted in a classification of likely benign for this disease.

NM_018979.4(WNK1):c.3845-14G>A

Gene: WNK1 (WNK lysine deficient protein kinase 1; plus strand). Cytogenetic location: 12p13.33.
Variant type: single nucleotide variant.
Coding change: c.3845-14G>A on transcript NM_018979.4 (MANE Select); 14 bases into the intron before coding-DNA position 3845, G replaced by A.
Molecular consequence: intron variant.
Genome position (GRCh38, 1-based): chr12:884,635, G>A. VCF-style: chr12-884635-G-A. GRCh37 (hg19) VCF-style: chr12-993801-G-A.
Other names: c.4601-14G>A (NM_213655.5); c.4625-14G>A (NM_001184985.2); c.3104-14G>A (NM_014823.3).
Identifiers: ClinVar variation 310824 (VCV000310824.9), dbSNP rs368270119, ClinGen allele CA6382882.